The following is an entry in ClinVar:

NM_000572.3(IL10):c.386T>A (p.Phe129Tyr)

Gene: IL10 (interleukin 10; minus strand). Cytogenetic location: 1q32.1.
Variant type: single nucleotide variant.
Coding change: c.386T>A on transcript NM_000572.3 (MANE Select); coding-DNA position 386, T replaced by A.
Protein change: p.Phe129Tyr; replaces phenylalanine 129 with tyrosine.
Molecular consequence: missense variant. On other transcripts: non-coding transcript variant (2).
Genome position (GRCh38, 1-based): chr1:206,769,887, A>T on the plus strand (T>A on the coding strand, the complement: IL10 is on the minus strand). VCF-style: chr1-206769887-A-T. GRCh37 (hg19) VCF-style: chr1-206943232-A-T.
Other names: c.131T>A, p.Phe44Tyr (NM_001382624.1); short protein forms F129Y, F44Y.
Identifiers: ClinVar variation 2202923 (VCV002202923.4), dbSNP rs1319282028, ClinGen allele CA344481895.

ClinVar aggregate classification (germline): Uncertain significance (1 of 4 stars; one submission).

Conditions:
Inflammatory bowel disease. Identifiers: Orphanet 104012, MedGen C0021390, MONDO:0005265.

Allele frequency attached by ClinVar (database versions not stated): gnomAD exomes below 0.00001.
gnomAD v4.1: 1 of 1,613,688 alleles (0.000062%); highest among the groups gnomAD compares: Non-Finnish European, 0.000085%; no homozygotes.

Submission:

Labcorp Genetics (formerly Invitae), Labcorp
Classification: Uncertain significance for Inflammatory bowel disease. Last evaluated: 2022-02-14. Review status: criteria provided, single submitter. Criteria: Invitae Variant Classification Sherloc (09022015). Collection method: clinical testing. Allele origin: germline.
Comment: This sequence change replaces phenylalanine, which is neutral and non-polar, with tyrosine, which is neutral and polar, at codon 129 of the IL10 protein (p.Phe129Tyr). This variant is present in population databases (no rsID available, gnomAD 0.0009%). This variant has not been reported in the literature in individuals affected with IL10-related conditions. Algorithms developed to predict the effect of missense changes on protein structure and function are either unavailable or do not agree on the potential impact of this missense change (SIFT: "Tolerated"; PolyPhen-2: "Probably Damaging"; Align-GVGD: "Class C0"). In summary, the available evidence is currently insufficient to determine the role of this variant in disease. Therefore, it has been classified as a Variant of Uncertain Significance.